The following is an entry in ClinVar:

ClinVar aggregate classification (germline): Benign/Likely benign. Review status: criteria provided, multiple submitters, no conflicts (2 of 4 stars). 3 submissions from 3 submitters: Benign (1); Likely benign (2). Last evaluated 2018-11-10.

Conditions:
Metaphyseal chondrodysplasia, Schmid type (MCDS). Also called: SPONDYLOMETAPHYSEAL DYSPLASIA, JAPANESE TYPE. Identifiers: Orphanet 174, MedGen C0265289, MONDO:0007983, OMIM 156500.

Allele frequency attached by ClinVar (database versions not stated): 1000 Genomes Project 30x 0.00874; 1000 Genomes Project 0.00919; TOPMed 0.01857; gnomAD 0.01982 and 0.02024; gnomAD exomes 0.02188.
gnomAD v4.1: 8,449 of 400,364 alleles (2.1%); highest among the groups gnomAD compares: Non-Finnish European, 2.9%; 138 homozygotes.

Submissions (3):

GeneDx
Classification: Likely benign. Last evaluated: 2018-11-10. Review status: criteria provided, single submitter. Criteria: GeneDx Variant Classification Process June 2021. Collection method: clinical testing. Allele origin: germline. Affected: yes.

Illumina Laboratory Services, Illumina
Classification: Benign for Metaphyseal chondrodysplasia, Schmid type. Last evaluated: 2018-01-13. Review status: criteria provided, single submitter. Criteria: ICSL Variant Classification Criteria 13 December 2019. Collection method: clinical testing. Allele origin: germline.
Comment: This variant was observed in the ICSL laboratory as part of a predisposition screen in an ostensibly healthy population. It had not been previously curated by ICSL or reported in the Human Gene Mutation Database (HGMD: prior to June 1st, 2018), and was therefore a candidate for classification through an automated scoring system. Utilizing variant allele frequency, disease prevalence and penetrance estimates, and inheritance mode, an automated score was calculated to assess if this variant is too frequent to cause the disease. Based on the score and internal cut-off values, a variant classified as benign is not then subjected to further curation. The score for this variant resulted in a classification of benign for this disease.

Breakthrough Genomics
Classification: Likely benign. Review status: criteria provided, single submitter. Criteria: ACMG Guidelines, 2015. Collection method: not provided. Allele origin: germline. Inheritance: Autosomal dominant inheritance. Affected: yes.

NM_000493.4(COL10A1):c.*246T>C

Genes: COL10A1 (collagen type X alpha 1 chain; minus strand), NT5DC1 (5'-nucleotidase domain containing 1; plus strand). Cytogenetic location: 6q22.1.
Variant type: single nucleotide variant.
Coding change: c.*246T>C on transcript NM_000493.4 (MANE Select); 246 bases downstream of the stop codon, T replaced by C.
Molecular consequence: 3 prime UTR variant. On other transcripts: intron variant (1).
Genome position (GRCh38, 1-based): chr6:116,119,827, A>G on the plus strand (T>C on the coding strand, the complement: COL10A1 is on the minus strand). VCF-style: chr6-116119827-A-G. GRCh37 (hg19) VCF-style: chr6-116440990-A-G.
Other names: c.*246T>C (NM_001424106.1, NM_001424107.1); c.529+1882A>G (NM_152729.3).
Identifiers: ClinVar variation 355085 (VCV000355085.9), dbSNP rs149788553, ClinGen allele CA10621280.